The following is an entry in ClinVar:

NM_001065.4(TNFRSF1A):c.193+18C>T

Gene: TNFRSF1A (TNF receptor superfamily member 1A; minus strand). Cytogenetic location: 12p13.31.
Variant type: single nucleotide variant.
Coding change: c.193+18C>T on transcript NM_001065.4 (MANE Select); 18 bases into the intron after coding-DNA position 193, C replaced by T.
Molecular consequence: intron variant.
Genome position (GRCh38, 1-based): chr12:6,334,073, G>A on the plus strand (C>T on the coding strand, the complement: TNFRSF1A is on the minus strand). VCF-style: chr12-6334073-G-A. GRCh37 (hg19) VCF-style: chr12-6443239-G-A.
Other names: c.-131-208C>T (NM_001346091.2); c.-385+18C>T (NM_001346092.2).
Identifiers: ClinVar variation 507153 (VCV000507153.4), dbSNP rs757177584, ClinGen allele CA6405598.

ClinVar aggregate classification (germline): Likely benign. Review status: criteria provided, multiple submitters, no conflicts (2 of 4 stars). 2 submissions from 2 submitters: Likely benign (2). Last evaluated 2023-04-30.

Conditions:
TNF receptor-associated periodic fever syndrome (TRAPS) (FPF). Also called: TNF receptor 1-associated periodic fever syndrome; FAMILIAL HIBERNIAN FEVER; TNF Receptor-Associated Periodic Fever Syndrome; TNF RECEPTOR-ASSOCIATED PERIODIC SYNDROME; TUMOR NECROSIS FACTOR RECEPTOR-ASSOCIATED PERIODIC SYNDROME; Autosomal Dominant Familial Periodic Fever. Identifiers: Orphanet 32960, MedGen C1275126, MONDO:0007727, OMIM 142680.

Allele frequency attached by ClinVar (database versions not stated): TOPMed below 0.00001; gnomAD exomes 0.00001 and 0.00002; ExAC 0.00002.
gnomAD v4.1: 13 of 1,614,166 alleles (0.00081%); highest among the groups gnomAD compares: South Asian, 0.0088%; no homozygotes.

Submissions (2):

Labcorp Genetics (formerly Invitae), Labcorp
Classification: Likely benign for TNF receptor-associated periodic fever syndrome (TRAPS). Last evaluated: 2023-04-30. Review status: criteria provided, single submitter. Criteria: Invitae Variant Classification Sherloc (09022015). Collection method: clinical testing. Allele origin: germline.

GeneDx
Classification: Likely benign. Last evaluated: 2017-02-03. Review status: criteria provided, single submitter. Criteria: GeneDx Variant Classification (06012015). Collection method: clinical testing. Allele origin: germline. Affected: yes.
Comment: This variant is considered likely benign or benign based on one or more of the following criteria: it is a conservative change, it occurs at a poorly conserved position in the protein, it is predicted to be benign by multiple in silico algorithms, and/or has population frequency not consistent with disease.